The following is an entry in ClinVar:

ClinVar aggregate classification (germline): Uncertain significance (1 of 4 stars; one submission).

Conditions:
Autosomal dominant limb-girdle muscular dystrophy type 1F (LGMDD2). Also called: MUSCULAR DYSTROPHY, LIMB-GIRDLE, AUTOSOMAL DOMINANT 2; Limb-girdle muscular dystrophy, type 1F. Identifiers: Orphanet 55595, MedGen C1842062, MONDO:0012034, OMIM 608423.

Submission:

Labcorp Genetics (formerly Invitae), Labcorp
Classification: Uncertain significance for Autosomal dominant limb-girdle muscular dystrophy type 1F. Last evaluated: 2022-06-17. Review status: criteria provided, single submitter. Criteria: Invitae Variant Classification Sherloc (09022015). Collection method: clinical testing. Allele origin: germline.
Comment: In summary, the available evidence is currently insufficient to determine the role of this variant in disease. Therefore, it has been classified as a Variant of Uncertain Significance. Algorithms developed to predict the effect of missense changes on protein structure and function (SIFT, PolyPhen-2, Align-GVGD) all suggest that this variant is likely to be tolerated. This variant has not been reported in the literature in individuals affected with TNPO3-related conditions. This variant is not present in population databases (gnomAD no frequency). This sequence change replaces phenylalanine, which is neutral and non-polar, with cysteine, which is neutral and slightly polar, at codon 759 of the TNPO3 protein (p.Phe759Cys).

NM_012470.4(TNPO3):c.2276T>G (p.Phe759Cys)

Gene: TNPO3 (transportin 3; minus strand). Cytogenetic location: 7q32.1.
Variant type: single nucleotide variant.
Coding change: c.2276T>G on transcript NM_012470.4 (MANE Select); coding-DNA position 2276, T replaced by G.
Protein change: p.Phe759Cys; replaces phenylalanine 759 with cysteine.
Molecular consequence: missense variant. On other transcripts: non-coding transcript variant (18).
Genome position (GRCh38, 1-based): chr7:128,972,580, A>C on the plus strand (T>G on the coding strand, the complement: TNPO3 is on the minus strand). VCF-style: chr7-128972580-A-C. GRCh37 (hg19) VCF-style: chr7-128612634-A-C.
Other names: c.2084T>G, p.Phe695Cys (NM_001191028.3, NM_001382223.1); c.2378T>G, p.Phe793Cys (NM_001382216.1); c.2357T>G, p.Phe786Cys (NM_001382217.1); c.2276T>G, p.Phe759Cys (NM_001382218.1); c.2168T>G, p.Phe723Cys (NM_001382219.1); c.2135T>G, p.Phe712Cys (NM_001382220.1); c.2132T>G, p.Phe711Cys (NM_001382221.1); c.2129T>G, p.Phe710Cys (NM_001382222.1); short protein forms F695C, F759C, F786C, F711C, F723C, F793C, F710C, F712C.
Identifiers: ClinVar variation 1381346 (VCV001381346.6), dbSNP rs2128995402, ClinGen allele CA369252695.